The following is an entry in ClinVar:

NM_000532.5(PCCB):c.1015A>G (p.Asn339Asp)

Gene: PCCB (propionyl-CoA carboxylase subunit beta; plus strand). Cytogenetic location: 3q22.3.
Variant type: single nucleotide variant.
Coding change: c.1015A>G on transcript NM_000532.5 (MANE Select); coding-DNA position 1015, A replaced by G.
Protein change: p.Asn339Asp; replaces asparagine 339 with aspartic acid.
Molecular consequence: missense variant.
Genome position (GRCh38, 1-based): chr3:136,316,989, A>G. VCF-style: chr3-136316989-A-G. GRCh37 (hg19) VCF-style: chr3-136035831-A-G.
Other names: c.1075A>G, p.Asn359Asp (NM_001178014.2); short protein forms N339D, N359D.
Identifiers: ClinVar variation 939293 (VCV000939293.9), dbSNP rs1934921365, ClinGen allele CA354647284.

ClinVar aggregate classification (germline): Uncertain significance (1 of 4 stars; one submission).

Conditions:
Propionic acidemia (PROP). Also called: GLYCINEMIA, KETOTIC; HYPERGLYCINEMIA WITH KETOACIDOSIS AND LEUKOPENIA; KETOTIC HYPERGLYCINEMIA. Identifiers: Orphanet 35, MedGen C0268579, MONDO:0011628, OMIM 606054, HP:0003571.

Allele frequency attached by ClinVar (database versions not stated): gnomAD exomes below 0.00001.
gnomAD v4.1: 1 of 1,613,934 alleles (0.000062%); highest among the groups gnomAD compares: South Asian, 0.0011%; no homozygotes.

Submission:

Labcorp Genetics (formerly Invitae), Labcorp
Classification: Uncertain significance for Propionic acidemia. Last evaluated: 2024-02-19. Review status: criteria provided, single submitter. Criteria: Invitae Variant Classification Sherloc (09022015). Collection method: clinical testing. Allele origin: germline.
Comment: This sequence change replaces asparagine, which is neutral and polar, with aspartic acid, which is acidic and polar, at codon 339 of the PCCB protein (p.Asn339Asp). This variant is not present in population databases (gnomAD no frequency). This variant has not been reported in the literature in individuals affected with PCCB-related conditions. ClinVar contains an entry for this variant (Variation ID: 939293). Advanced modeling of protein sequence and biophysical properties (such as structural, functional, and spatial information, amino acid conservation, physicochemical variation, residue mobility, and thermodynamic stability) performed at Invitae indicates that this missense variant is expected to disrupt PCCB protein function with a positive predictive value of 95%. In summary, the available evidence is currently insufficient to determine the role of this variant in disease. Therefore, it has been classified as a Variant of Uncertain Significance.